The following is an entry in ClinVar:

NM_000218.3(KCNQ1):c.1514+26431A>G

Genes: KCNQ1 (potassium voltage-gated channel subfamily Q member 1; plus strand), KCNQ1OT1 (KCNQ1 opposite strand/antisense transcript 1; minus strand). Cytogenetic location: 11p15.5.
Variant type: single nucleotide variant.
Coding change: c.1514+26431A>G on transcript NM_000218.3 (MANE Select); 26431 bases into the intron after coding-DNA position 1514, A replaced by G.
Molecular consequence: intron variant. On other transcripts: non-coding transcript variant (1).
Genome position (GRCh38, 1-based): chr11:2,688,512, A>G. VCF-style: chr11-2688512-A-G. GRCh37 (hg19) VCF-style: chr11-2709742-A-G.
Other names: c.1244+26431A>G (NM_001406837.1); c.1418+26431A>G (NM_001406836.1); c.974+26431A>G (NM_001406838.1); c.1133+26431A>G (NM_181798.2).
Identifiers: ClinVar variation 3771760 (VCV003771760.13).

ClinVar aggregate classification (germline): Likely benign (1 of 4 stars; one submission).

gnomAD v4.1: 155 of 398,560 alleles (0.039%); highest among the groups gnomAD compares: Non-Finnish European, 0.059%; no homozygotes.

Submission:

CeGaT Center for Human Genetics Tuebingen
Classification: Likely benign. Last evaluated: 2026-01-01. Review status: criteria provided, single submitter. Criteria: CeGaT Center For Human Genetics Tuebingen Variant Classification Criteria Version 2. Collection method: clinical testing. Allele origin: germline. Affected: yes. Observed: 2 variant alleles.
Comment: KCNQ1OT1: BS2